The following is an entry in ClinVar:

ClinVar aggregate classification (germline): Pathogenic (1 of 4 stars; one submission).

Conditions:
Hereditary hemorrhagic telangiectasia (HHT). Also called: ORW DISEASE; Osler Weber Rendu syndrome; OSLER-RENDU-WEBER DISEASE; Osler hemorrhagic telangiectasia syndrome. Identifiers: Orphanet 774, MedGen C0039445, MONDO:0019180. Disease mechanism: loss of function.

Submission:

Labcorp Genetics (formerly Invitae), Labcorp
Classification: Pathogenic for Hereditary hemorrhagic telangiectasia. Last evaluated: 2021-08-12. Review status: criteria provided, single submitter. Criteria: Invitae Variant Classification Sherloc (09022015). Collection method: clinical testing. Allele origin: germline.
Comment: This variant is a gross deletion of the genomic region encompassing exon(s) 3-10 of the ENG gene. This variant would be expected to be in-frame, preserving the integrity of the reading frame. This variant has not been reported in the literature in individuals affected with ENG-related conditions. The region of the ENG gene that includes exon(s) 9-10 has been determined to be clinically significant (PMID: 20414677; Invitae). Therefore, deletions that encompass that region are likely to be disease-causing. For these reasons, this variant has been classified as Pathogenic.

Literature cited by the submitters: PubMed 20414677.

NC_000009.12:g.(?_127819612)_(127829837_?)del

Gene: ENG (endoglin; minus strand). Cytogenetic location: 9q34.11.
Variant type: Deletion.
Identifiers: ClinVar variation 833148 (VCV000833148.8).